The following is an entry in ClinVar:

ClinVar aggregate classification (germline): Uncertain significance (1 of 4 stars; one submission).

Submission:

GeneDx
Classification: Uncertain significance. Last evaluated: 2024-01-25. Review status: criteria provided, single submitter. Criteria: GeneDx Variant Classification Process June 2021. Collection method: clinical testing. Allele origin: germline. Affected: yes.
Comment: Not observed at significant frequency in large population cohorts (gnomAD); In silico analysis supports that this missense variant has a deleterious effect on protein structure/function; Has not been previously published as pathogenic or benign to our knowledge

NM_001009944.3(PKD1):c.8536A>G (p.Thr2846Ala)

Gene: PKD1 (polycystin 1, transient receptor potential channel interacting; minus strand). Cytogenetic location: 16p13.3.
Variant type: single nucleotide variant.
Coding change: c.8536A>G on transcript NM_001009944.3 (MANE Select); coding-DNA position 8536, A replaced by G.
Protein change: p.Thr2846Ala; replaces threonine 2846 with alanine.
Molecular consequence: missense variant.
Genome position (GRCh38, 1-based): chr16:2,103,521, T>C on the plus strand (A>G on the coding strand, the complement: PKD1 is on the minus strand). VCF-style: chr16-2103521-T-C. GRCh37 (hg19) VCF-style: chr16-2153522-T-C.
Other names: c.8536A>G, p.Thr2846Ala (NM_000296.4); short protein forms T2846A.
Identifiers: ClinVar variation 3368241 (VCV003368241.1).